The following is an entry in ClinVar:

NM_003482.4(KMT2D):c.12321G>A (p.Leu4107=)

Gene: KMT2D (lysine methyltransferase 2D; minus strand). Cytogenetic location: 12q13.12.
Variant type: single nucleotide variant.
Coding change: c.12321G>A on transcript NM_003482.4 (MANE Select); coding-DNA position 12321, G replaced by A.
Protein change: p.Leu4107=; no amino-acid change (leucine 4107 retained).
Molecular consequence: synonymous variant.
Genome position (GRCh38, 1-based): chr12:49,032,384, C>T on the plus strand (G>A on the coding strand, the complement: KMT2D is on the minus strand). VCF-style: chr12-49032384-C-T. GRCh37 (hg19) VCF-style: chr12-49426167-C-T.
Identifiers: ClinVar variation 2642938 (VCV002642938.24), dbSNP rs549086846, ClinGen allele CA479708835.

ClinVar aggregate classification (germline): Uncertain significance (1 of 4 stars; one submission).

Submission:

CeGaT Center for Human Genetics Tuebingen
Classification: Uncertain significance. Last evaluated: 2023-02-01. Review status: criteria provided, single submitter. Criteria: CeGaT Center For Human Genetics Tuebingen Variant Classification Criteria Version 2. Collection method: clinical testing. Allele origin: germline. Affected: yes. Observed: 1 variant allele.
Comment: KMT2D: PM2:Supporting, BP4